The following is an entry in ClinVar:

ClinVar aggregate classification (germline): Pathogenic/Likely pathogenic. Review status: criteria provided, multiple submitters, no conflicts (2 of 4 stars). 10 submissions from 10 submitters: Pathogenic (3); Likely pathogenic (7). Last evaluated 2025-12-24.

Conditions:
Ichthyosis and erythrokeratoderma.
FLG-related disorder. Also called: FLG-related condition; FLG-related disorders.
Ichthyosis vulgaris. Also called: Dominant ichthyosis vulgaris; ICHTHYOSIS SIMPLEX. Identifiers: MedGen C0079584, MONDO:0024304, OMIM 146700.
Dermatitis, atopic, 2. Identifiers: MedGen C1853965, MONDO:0011596, OMIM 605803.

Allele frequency attached by ClinVar (database versions not stated): gnomAD 0.00003; TOPMed 0.00003.
gnomAD v4.1: 134 of 1,609,368 alleles (0.0083%); highest among the groups gnomAD compares: East Asian, 0.041%; 2 homozygotes.

Submissions (10):

3billion
Classification: Pathogenic for Ichthyosis vulgaris. Last evaluated: 2025-12-24. Review status: criteria provided, single submitter. Criteria: ACMG Guidelines, 2015. Collection method: clinical testing. Allele origin: germline. Affected: yes.
Comment: The variant is observed at an extremely low frequency in the gnomAD v4.1.0 dataset (total allele frequency: 0.008%). Predicted Consequence/Location: Stop-gained (nonsense): predicted to result in a loss or disruption of normal protein function through protein truncation. The predicted truncated protein may be shortened by more than 10%. In silico tool prediction suggests damaging effect of the variant on gene or gene product [3Cnet: 0.99 (damaging >0.75, benign <0.1)]. The variant has been reported at least twice as pathogenic with clinical assertions and evidence for the classification (ClinVar ID: VCV000265475). Therefore, this variant is classified as Pathogenic according to the recommendation of ACMG/AMP guideline.

Genetics Laboratory, Great Ormond Street Hospital NHS Foundation Trust, North Thames Genomic Laboratory Hub
Classification: Likely pathogenic for Ichthyosis and erythrokeratoderma. Last evaluated: 2025-09-07. Review status: criteria provided, single submitter. Criteria: ACGS Best Practice Guidelines for Variant Classification in Rare Disease 2024 v1.2. Collection method: clinical testing. Allele origin: germline. Affected: yes.
Comment: PVS1_strong, PM3_moderate

GeneDx
Classification: Pathogenic. Last evaluated: 2025-07-16. Review status: criteria provided, single submitter. Criteria: GeneDx Variant Classification Process June 2021. Collection method: clinical testing. Allele origin: germline. Affected: yes.
Comment: Observed in a patient with atopic dermatitis in published literature (PMID: 24608987); Nonsense variant predicted to result in protein truncation, as the last 653 amino acid(s) are lost, and other loss-of-function variants have been reported downstream in HGMD; This variant is associated with the following publications: (PMID: 29428354, 28407221, 31365035, 32018027, 31589614, 24608987, Tanios2025[Abstract], 16444271)

Blueprint Genetics
Classification: Likely pathogenic for FLG-related disorders. Last evaluated: 2024-05-07. Review status: criteria provided, single submitter. Criteria: ACMG Guidelines, 2015. Collection method: clinical testing. Allele origin: germline. Affected: yes. Observed: 5 variant alleles.

Genome-Nilou Lab
Classification: Likely pathogenic for Ichthyosis vulgaris. Last evaluated: 2023-04-11. Review status: criteria provided, single submitter. Criteria: ACMG Guidelines, 2015. Collection method: clinical testing. Allele origin: germline. Affected: no.

Department of Pathology and Laboratory Medicine, Sinai Health System
Classification: Likely pathogenic for Ichthyosis vulgaris. Last evaluated: 2022-11-21. Review status: criteria provided, single submitter. Criteria: ACMG Guidelines, 2015. Collection method: research. Allele origin: germline.

Laboratorio de Genetica e Diagnostico Molecular, Hospital Israelita Albert Einstein
Classification: Pathogenic for Dermatitis, atopic, 2. Last evaluated: 2022-10-12. Review status: criteria provided, single submitter. Criteria: ACMG Guidelines, 2015. Collection method: clinical testing. Allele origin: germline. Affected: yes. Observed: 1 variant allele.
Comment: ACMG classification criteria: PVS1 strong, PS4 strong, PM2 supporting

Genetics and Genomic Medicine Centre, NeuroGen Healthcare, NeuroGen Healthcare
Classification: Likely pathogenic for Ichthyosis vulgaris. Last evaluated: 2021-03-25. Review status: criteria provided, single submitter. Criteria: Submitter's publication. Collection method: clinical testing. Allele origin: unknown. Affected: no.

Baylor Genetics
Classification: Likely pathogenic for Ichthyosis vulgaris. Last evaluated: 2019-01-15. Review status: criteria provided, single submitter. Criteria: ACMG Guidelines, 2015. Collection method: clinical testing. Allele origin: maternal. Affected: yes.
Comment: This variant was determined to be likely pathogenic according to ACMG Guidelines, 2015 [PMID:25741868].

Juno Genomics, Hangzhou Juno Genomics, Inc
Classification: Likely pathogenic for Dermatitis, atopic, 2; Ichthyosis vulgaris. Review status: criteria provided, single submitter. Criteria: ACMG Guidelines, 2015. Collection method: clinical testing. Allele origin: germline. Affected: yes.
Comment: Absent from controls (or at extremely low frequency if recessive) in Genome Aggregation Database, Exome Sequencing Project, 1000 Genomes Project, or Exome Aggregation Consortium.;Null variant in a gene where loss of function (LOF) is a known mechanism of disease.;The prevalence of the variant in affected individuals is significantly increased compared to the prevalence in controls.;Patient's phenotype or family history is highly specific for a disease with a single genetic etiology.

Literature cited by the submitters: PubMed 24608987 (cited by Baylor Genetics).

NM_002016.2(FLG):c.10225C>T (p.Arg3409Ter)

Genes: CCDST (cervical cancer associated DHX9 suppressive transcript; plus strand), FLG (filaggrin; minus strand). Cytogenetic location: 1q21.3.
Variant type: single nucleotide variant.
Coding change: c.10225C>T on transcript NM_002016.2 (MANE Select); coding-DNA position 10225, C replaced by T.
Protein change: p.Arg3409Ter; replaces arginine 3409 with a stop codon.
Molecular consequence: nonsense.
Genome position (GRCh38, 1-based): chr1:152,304,661, G>A on the plus strand (C>T on the coding strand, the complement: FLG is on the minus strand). VCF-style: chr1-152304661-G-A. GRCh37 (hg19) VCF-style: chr1-152277137-G-A.
Other names: short protein forms R3409*.
Identifiers: ClinVar variation 265475 (VCV000265475.17), dbSNP rs201356558, ClinGen allele CA1103462.